The following is an entry in ClinVar:

NM_001256715.2(DNAAF3):c.1589C>T (p.Pro530Leu)

Gene: DNAAF3 (dynein axonemal assembly factor 3; minus strand). Cytogenetic location: 19q13.42.
Variant type: single nucleotide variant.
Coding change: c.1589C>T on transcript NM_001256715.2 (MANE Select); coding-DNA position 1589, C replaced by T.
Protein change: p.Pro530Leu; replaces proline 530 with leucine.
Molecular consequence: missense variant.
Genome position (GRCh38, 1-based): chr19:55,159,099, G>A on the plus strand (C>T on the coding strand, the complement: DNAAF3 is on the minus strand). VCF-style: chr19-55159099-G-A. GRCh37 (hg19) VCF-style: chr19-55670467-G-A.
Other names: c.1589C>T (NM_001256715.1); c.1427C>T, p.Pro476Leu (NM_001256716.2); c.1730C>T, p.Pro577Leu (NM_178837.4); c.1790C>T, p.Pro597Leu (NM_001256714.1); short protein forms P577L, P597L, P476L, P530L.
Identifiers: ClinVar variation 330207 (VCV000330207.16), dbSNP rs200673226, ClinGen allele CA9667750.

ClinVar aggregate classification (germline): Conflicting classifications of pathogenicity. Review status: criteria provided, conflicting classifications (1 of 4 stars). 7 submissions from 7 submitters: Uncertain significance (4); Benign (1); Likely benign (1). 1 of the submissions does not count toward it. Last evaluated 2025-06-18.

Conditions:
Primary ciliary dyskinesia. Also called: Ciliary dyskinesia. Identifiers: Orphanet 244, MedGen C0008780, MONDO:0016575, HP:0012265.
DNAAF3-related disorder. Also called: DNAAF3-related condition.
Primary ciliary dyskinesia 2. Also called: CILIARY DYSKINESIA, PRIMARY, 2, WITH OR WITHOUT SITUS INVERSUS. Identifiers: Orphanet 244, MedGen C1847554, MONDO:0011718, OMIM 606763.

Allele frequency attached by ClinVar (database versions not stated): ExAC 0.00109; ESP Exome Variant Server 0.00109; gnomAD 0.00080 and 0.00082; TOPMed 0.00093; gnomAD exomes 0.00100 and 0.00134; 1000 Genomes Project 0.00020; 1000 Genomes Project 30x 0.00031.

Submissions (7):

Women's Health and Genetics/Laboratory Corporation of America, LabCorp
Classification: Uncertain significance. Last evaluated: 2025-06-18. Review status: criteria provided, single submitter. Criteria: LabCorp Variant Classification Summary - May 2015. Collection method: clinical testing. Allele origin: germline.
Comment: Variant summary: DNAAF3 c.1790C>T (p.Pro597Leu) results in a non-conservative amino acid change in the encoded protein sequence. Algorithms developed to predict the effect of missense changes on protein structure and function are either unavailable or do not agree on the potential impact of this missense change. The variant allele was found at a frequency of 0.001 in 245814 control chromosomes (gnomAD). This frequency is not significantly higher than estimated for a pathogenic variant in DNAAF3 causing Ciliary Dyskinesia, Primary, 2, allowing no conclusion about variant significance. To our knowledge, no occurrence of c.1790C>T in individuals affected with Ciliary Dyskinesia, Primary, 2 and no experimental evidence demonstrating its impact on protein function have been reported. ClinVar contains an entry for this variant (Variation ID: 330207). Based on the evidence outlined above, the variant was classified as uncertain significance.

Molecular Genetics McLendon Clinical Laboratories, University of North Carolina at Chapel Hill
Classification: Uncertain significance for Primary ciliary dyskinesia. Last evaluated: 2025-02-26. Review status: criteria provided, single submitter. Criteria: ACMG Guidelines, 2015. Collection method: clinical testing. Allele origin: germline.

Blueprint Genetics
Classification: Likely benign. Last evaluated: 2024-11-26. Review status: criteria provided, single submitter. Criteria: ACMG Guidelines, 2015. Collection method: clinical testing. Allele origin: germline.

Labcorp Genetics (formerly Invitae), Labcorp
Classification: Uncertain significance for Primary ciliary dyskinesia. Last evaluated: 2022-08-23. Review status: criteria provided, single submitter. Criteria: Invitae Variant Classification Sherloc (09022015). Collection method: clinical testing. Allele origin: germline.
Comment: This sequence change replaces proline, which is neutral and non-polar, with leucine, which is neutral and non-polar, at codon 597 of the DNAAF3 protein (p.Pro597Leu). This variant is present in population databases (rs200673226, gnomAD 0.2%), and has an allele count higher than expected for a pathogenic variant. This variant has not been reported in the literature in individuals affected with DNAAF3-related conditions. ClinVar contains an entry for this variant (Variation ID: 330207). Algorithms developed to predict the effect of missense changes on protein structure and function output the following: SIFT: "Tolerated"; PolyPhen-2: "Benign"; Align-GVGD: "Class C0". The leucine amino acid residue is found in multiple mammalian species, which suggests that this missense change does not adversely affect protein function. In summary, the available evidence is currently insufficient to determine the role of this variant in disease. Therefore, it has been classified as a Variant of Uncertain Significance.

Fulgent Genetics
Classification: Uncertain significance for Primary ciliary dyskinesia 2. Last evaluated: 2018-10-31. Review status: criteria provided, single submitter. Criteria: ACMG Guidelines, 2015. Collection method: clinical testing. Allele origin: unknown.

Ambry Genetics
Classification: Benign for Primary ciliary dyskinesia. Last evaluated: 2017-05-31. Review status: criteria provided, single submitter. Criteria: Ambry Variant Classification Scheme 2023. Collection method: clinical testing. Allele origin: germline.

PreventionGenetics, part of Exact Sciences
Classification: Likely benign for DNAAF3-related condition. Last evaluated: 2022-04-11. Review status: no assertion criteria provided. Collection method: clinical testing. Allele origin: germline. Not counted in ClinVar's aggregate classification.
Comment: This variant is classified as likely benign based on ACMG/AMP sequence variant interpretation guidelines (Richards et al. 2015 PMID: 25741868, with internal and published modifications).